The following is an entry in ClinVar:

ClinVar aggregate classification (germline): Conflicting classifications of pathogenicity. Review status: criteria provided, conflicting classifications (1 of 4 stars). 2 submissions from 2 submitters: Uncertain significance (1); Likely benign (1). Last evaluated 2023-10-13.

Conditions:
Autosomal recessive limb-girdle muscular dystrophy type 2D (LGMDR3). Also called: MUSCULAR DYSTROPHY, LIMB-GIRDLE, AUTOSOMAL RECESSIVE 3; ADHALINOPATHY, PRIMARY; DUCHENNE-LIKE AUTOSOMAL RECESSIVE MUSCULAR DYSTROPHY, TYPE 2. Identifiers: Orphanet 62, MedGen C2936332, MONDO:0011968, OMIM 608099. Disease mechanism: Affects gamma-sarcoglycan and also disrupts the integrity of the entire sarcoglycan complex..

Allele frequency attached by ClinVar (database versions not stated): gnomAD below 0.00001 and 0.00001; gnomAD exomes below 0.00001 and 0.00001; ExAC 0.00001; TOPMed 0.00003.
gnomAD v4.1: 5 of 1,613,270 alleles (0.00031%); highest among the groups gnomAD compares: South Asian, 0.0033%; no homozygotes.

Submissions (2):

Labcorp Genetics (formerly Invitae), Labcorp
Classification: Likely benign for Autosomal recessive limb-girdle muscular dystrophy type 2D. Last evaluated: 2023-10-13. Review status: criteria provided, single submitter. Criteria: Invitae Variant Classification Sherloc (09022015). Collection method: clinical testing. Allele origin: germline.

GeneDx
Classification: Uncertain significance. Last evaluated: 2019-04-11. Review status: criteria provided, single submitter. Criteria: GeneDx Variant Classification Process June 2021. Collection method: clinical testing. Allele origin: germline. Affected: yes.
Comment: Has not been previously published as pathogenic or benign to our knowledge; Not observed at a significant frequency in large population cohorts (Lek et al., 2016); In-silico analysis, which includes splice predictors and evolutionary conservation, is inconclusive as to whether the variant alters gene splicing. In the absence of RNA/functional studies, the actual effect of this sequence change is unknown.

NM_000023.4(SGCA):c.33C>T (p.Leu11=)

Gene: SGCA (sarcoglycan alpha; plus strand). Cytogenetic location: 17q21.33.
Variant type: single nucleotide variant.
Coding change: c.33C>T on transcript NM_000023.4 (MANE Select); coding-DNA position 33, C replaced by T.
Protein change: p.Leu11=; no amino-acid change (leucine 11 retained).
Molecular consequence: synonymous variant. On other transcripts: non-coding transcript variant (1).
Genome position (GRCh38, 1-based): chr17:50,166,073, C>T. VCF-style: chr17-50166073-C-T. GRCh37 (hg19) VCF-style: chr17-48243434-C-T.
Other names: c.33C>T, p.Leu11= (NM_001135697.3).
Identifiers: ClinVar variation 705679 (VCV000705679.12), dbSNP rs762704751, ClinGen allele CA8643644.
Genomic context (GRCh38, chr17:50,166,073, plus strand): 5'-CTCACCGGGCGGGCCAGGCCGGGCAGCCATGGCTGAGACACTCTTCTGGACTCCTCTCCT[C>T]GTGGGCAAGTTGGGGCCTTGTTCAGCGGGGAGGCCCAGGATGAGGGGGCAGGATTTAGGG-3'
Protein context (NP_000014.1, residues 1-21): MAETLFWTPL[Leu11=]VVLLAGLGDT